The following is an entry in ClinVar:

ClinVar aggregate classification (germline): Pathogenic (1 of 4 stars; one submission).

Conditions:
Lethal left ventricular non-compaction-seizures-hypotonia-cataract-developmental delay syndrome. Also called: Combined oxidative phosphorylation deficiency 31. Identifiers: Orphanet 478049, MedGen C4310661, MONDO:0014976, OMIM 617228.

gnomAD v4.1: 28 of 1,614,000 alleles (0.0017%); highest among the groups gnomAD compares: Admixed American, 0.01%; no homozygotes.

Submission:

Women's Health and Genetics/Laboratory Corporation of America, LabCorp
Classification: Pathogenic for Lethal left ventricular non-compaction-seizures-hypotonia-cataract-developmental delay syndrome. Last evaluated: 2025-05-29. Review status: criteria provided, single submitter. Criteria: LabCorp Variant Classification Summary - May 2015. Collection method: clinical testing. Allele origin: germline.
Comment: Variant summary: MIPEP c.1954C>T (p.Gln652X) results in a premature termination codon, predicted to cause a truncation of the encoded protein or absence of the protein due to nonsense mediated decay, which are commonly known mechanisms for disease. The variant allele was found at a frequency of 2.4e-05 in 251438 control chromosomes. To our knowledge, no occurrence of c.1954C>T in individuals affected with Lethal Left Ventricular Non-Compaction Delay Syndrome and no experimental evidence demonstrating its impact on protein function have been reported. No submitters have cited clinical-significance assessments for this variant to ClinVar. Based on the evidence outlined above, the variant was classified as pathogenic.

NM_005932.4(MIPEP):c.1954C>T (p.Gln652Ter)

Gene: MIPEP (mitochondrial intermediate peptidase; minus strand). Cytogenetic location: 13q12.12.
Variant type: single nucleotide variant.
Coding change: c.1954C>T on transcript NM_005932.4 (MANE Select); coding-DNA position 1954, C replaced by T.
Protein change: p.Gln652Ter; replaces glutamine 652 with a stop codon.
Molecular consequence: nonsense.
Genome position (GRCh38, 1-based): chr13:23,760,112, G>A on the plus strand (C>T on the coding strand, the complement: MIPEP is on the minus strand). VCF-style: chr13-23760112-G-A. GRCh37 (hg19) VCF-style: chr13-24334251-G-A.
Other names: short protein forms Q652*.
Identifiers: ClinVar variation 3902481 (VCV003902481.1).